The following is an entry in ClinVar:

ClinVar aggregate classification (germline): Uncertain significance. Review status: criteria provided, multiple submitters, no conflicts (2 of 4 stars). 2 submissions from 2 submitters: Uncertain significance (2). Last evaluated 2024-01-19.

Conditions:
Fibrochondrogenesis 1 (FBCG1). Identifiers: Orphanet 2021, MedGen C3278138, MONDO:0009226, OMIM 228520.

Allele frequency attached by ClinVar (database versions not stated): gnomAD exomes below 0.00001.
gnomAD v4.1: 1 of 1,612,184 alleles (0.000062%); highest among the groups gnomAD compares: African/African-American, 0.0013%; no homozygotes.

Submissions (2):

Labcorp Genetics (formerly Invitae), Labcorp
Classification: Uncertain significance. Last evaluated: 2024-01-19. Review status: criteria provided, single submitter. Criteria: Invitae Variant Classification Sherloc (09022015). Collection method: clinical testing. Allele origin: germline.
Comment: This sequence change replaces tyrosine, which is neutral and polar, with cysteine, which is neutral and slightly polar, at codon 1763 of the COL11A1 protein (p.Tyr1763Cys). This variant is not present in population databases (gnomAD no frequency). This variant has not been reported in the literature in individuals affected with COL11A1-related conditions. ClinVar contains an entry for this variant (Variation ID: 1029386). Advanced modeling of protein sequence and biophysical properties (such as structural, functional, and spatial information, amino acid conservation, physicochemical variation, residue mobility, and thermodynamic stability) performed at Invitae indicates that this missense variant is not expected to disrupt COL11A1 protein function with a negative predictive value of 95%. In summary, the available evidence is currently insufficient to determine the role of this variant in disease. Therefore, it has been classified as a Variant of Uncertain Significance.

Baylor Genetics
Classification: Uncertain significance for Fibrochondrogenesis 1. Last evaluated: 2019-03-28. Review status: criteria provided, single submitter. Criteria: ACMG Guidelines, 2015. Collection method: clinical testing. Allele origin: paternal. Affected: yes.
Comment: This variant was determined to be of uncertain significance according to ACMG Guidelines, 2015 [PMID:25741868].

NM_001854.4(COL11A1):c.5288A>G (p.Tyr1763Cys)

Gene: COL11A1 (collagen type XI alpha 1 chain; minus strand). Cytogenetic location: 1p21.1.
Variant type: single nucleotide variant.
Coding change: c.5288A>G on transcript NM_001854.4 (MANE Select); coding-DNA position 5288, A replaced by G.
Protein change: p.Tyr1763Cys; replaces tyrosine 1763 with cysteine.
Molecular consequence: missense variant. On other transcripts: non-coding transcript variant (1).
Genome position (GRCh38, 1-based): chr1:102,878,152, T>C on the plus strand (A>G on the coding strand, the complement: COL11A1 is on the minus strand). VCF-style: chr1-102878152-T-C. GRCh37 (hg19) VCF-style: chr1-103343708-T-C.
Other names: c.5171A>G, p.Tyr1724Cys (NM_001190709.2); c.5324A>G, p.Tyr1775Cys (NM_080629.3); c.4940A>G, p.Tyr1647Cys (NM_080630.4); short protein forms Y1724C, Y1763C, Y1775C, Y1647C.
Identifiers: ClinVar variation 1029386 (VCV001029386.6), dbSNP rs1649735346, ClinGen allele CA341210682.